The following is an entry in ClinVar:

ClinVar aggregate classification (germline): Uncertain significance (1 of 4 stars; one submission).

Submission:

Labcorp Genetics (formerly Invitae), Labcorp
Classification: Uncertain significance. Last evaluated: 2025-02-15. Review status: criteria provided, single submitter. Criteria: Invitae Variant Classification Sherloc (09022015). Collection method: clinical testing. Allele origin: germline.
Comment: This sequence change replaces threonine, which is neutral and polar, with isoleucine, which is neutral and non-polar, at codon 702 of the MYLK3 protein (p.Thr702Ile). This variant is not present in population databases (gnomAD no frequency). This variant has not been reported in the literature in individuals affected with MYLK3-related conditions. ClinVar contains an entry for this variant (Variation ID: 2870290). An algorithm developed to predict the effect of missense changes on protein structure and function outputs the following: PolyPhen-2: "Possibly Damaging". The isoleucine amino acid residue is found in multiple mammalian species, which suggests that this missense change does not adversely affect protein function. In summary, the available evidence is currently insufficient to determine the role of this variant in disease. Therefore, it has been classified as a Variant of Uncertain Significance.

NM_182493.3(MYLK3):c.2105C>T (p.Thr702Ile)

Gene: MYLK3 (myosin light chain kinase 3; minus strand). Cytogenetic location: 16q11.2.
Variant type: single nucleotide variant.
Coding change: c.2105C>T on transcript NM_182493.3 (MANE Select); coding-DNA position 2105, C replaced by T.
Protein change: p.Thr702Ile; replaces threonine 702 with isoleucine.
Molecular consequence: missense variant.
Genome position (GRCh38, 1-based): chr16:46,712,657, G>A on the plus strand (C>T on the coding strand, the complement: MYLK3 is on the minus strand). VCF-style: chr16-46712657-G-A. GRCh37 (hg19) VCF-style: chr16-46746569-G-A.
Other names: c.1082C>T, p.Thr361Ile (NM_001308301.1); short protein forms T361I, T702I.
Identifiers: ClinVar variation 2870290 (VCV002870290.3), dbSNP rs917437243, ClinGen allele CA280206509.
Genomic context (GRCh38, chr16:46,712,657, plus strand): 5'-AAGACAAATGACCCCTGTCCCCACTTCAGAGCCAGGGTGCTAAGCACTCACAGCATGTAG[G>A]TGATGACTCCCACACTCCACATGTCTGTGGGGAATGAGACAAACTCATAATTGACGACTT-3'
Protein context (NP_872299.2, residues 692-712): PTDMWSVGVI[Thr702Ile]YMLLSGLSPF